The following is an entry in ClinVar:

ClinVar aggregate classification (germline): Pathogenic. Review status: criteria provided, multiple submitters, no conflicts (2 of 4 stars). 2 submissions from 2 submitters: Pathogenic (2). Last evaluated 2025-10-02.

Conditions:
Niemann-Pick disease, type C1. Also called: NEUROVISCERAL STORAGE DISEASE WITH VERTICAL SUPRANUCLEAR OPHTHALMOPLEGIA; NIEMANN-PICK DISEASE WITH CHOLESTEROL ESTERIFICATION BLOCK; NIEMANN-PICK DISEASE WITHOUT SPHINGOMYELINASE DEFICIENCY; NIEMANN-PICK DISEASE, CHRONIC NEURONOPATHIC FORM; NIEMANN-PICK DISEASE, VARIANT TYPE C1. Identifiers: Orphanet 646, MedGen C3179455, MONDO:0009757, OMIM 257220.

Submissions (2):

Natera, Inc.
Classification: Pathogenic for Niemann-Pick disease type C1. Last evaluated: 2025-10-02. Review status: criteria provided, single submitter. Criteria: Natera Variant Classification Schema (03/2026). Collection method: clinical testing. Allele origin: germline.
Comment: The c.2008_2011delTGCT variant in NPC1 is a frameshift variant predicted to shift the reading frame beginning at codon 670 and leads to a stop codon 12 codons downstream. This variant is expected to result in nonsense mediated decay, truncation, or a dysfunctional protein product. This variant is rare in the general population with a frequency below the threshold expected for the associated phenotype(s). This variant has been observed in one or more individuals affected with the associated recessive disease, as either homozygous or compound heterozygous with a second variant (PMID: 29930972). Given the available evidence, this variant is classified as Pathogenic.

Myriad Genetics, Inc.
Classification: Pathogenic for Niemann-Pick disease, type C1. Last evaluated: 2024-10-04. Review status: criteria provided, single submitter. Criteria: Myriad Autosomal Dominant, Autosomal Recessive and X-Linked Classification Criteria (2023). Collection method: clinical testing. Allele origin: unknown.
Comment: NM_000271.4(NPC1):c.2008_2011delTGCT(C670Pfs*12) is expected to be pathogenic in the context of Niemann-Pick disease type C1. This variant is predicted to lead to an abnormal or absent protein product due to the creation of a premature termination codon in NPC1, a gene where loss-of-function variants are known to be pathogenic. Please note: this variant was assessed in the context of healthy population screening.

Literature cited by the submitters: PubMed 29930972 (cited by Natera, Inc.).

NM_000271.5(NPC1):c.2008_2011del (p.Cys670fs)

Gene: NPC1 (NPC intracellular cholesterol transporter 1; minus strand). Cytogenetic location: 18q11.2.
Variant type: Deletion.
Coding change: c.2008_2011del on transcript NM_000271.5 (MANE Select); coding-DNA positions 2008 to 2011, 4 bases deleted (TGCT; older notation c.2008_2011delTGCT).
Protein change: p.Cys670fs; shifts the reading frame from cysteine 670.
Molecular consequence: frameshift variant.
Genome position (GRCh38, 1-based): chr18:23,544,463-23,544,466, AGCA deleted on the plus strand (TGCT on the coding strand, the reverse complement: NPC1 is on the minus strand); deleting any 4 consecutive bases within chr18:23,544,463-23,544,469 gives the same sequence; the c. name uses the placement nearest the transcript's 3' end. VCF-style (leftmost placement, unchanged base first): chr18-23544462-GAGCA-G. GRCh37 (hg19) VCF-style: chr18-21124426-GAGCA-G.
Other names: short protein forms C670fs.
Identifiers: ClinVar variation 4818053 (VCV004818053.2).